The following is an entry in ClinVar:

ClinVar aggregate classification (germline): Pathogenic (1 of 4 stars; one submission).

Conditions:
Retinoblastoma (RB1). Also called: RETINOBLASTOMA, SOMATIC. Identifiers: Orphanet 790, MedGen C0035335, MeSH D012175, MONDO:0008380, OMIM 180200, HP:0009919. Disease mechanism: loss of function. Inheritance: Both sporadic and heritable forms are tested..

Submission:

Labcorp Genetics (formerly Invitae), Labcorp
Classification: Pathogenic for Retinoblastoma. Last evaluated: 2022-09-23. Review status: criteria provided, single submitter. Criteria: Invitae Variant Classification Sherloc (09022015). Collection method: clinical testing. Allele origin: germline.
Comment: For these reasons, this variant has been classified as Pathogenic. This variant has not been reported in the literature in individuals affected with RB1-related conditions. This variant is not present in population databases (gnomAD no frequency). This sequence change creates a premature translational stop signal (p.Leu700Phefs*21) in the RB1 gene. It is expected to result in an absent or disrupted protein product. Loss-of-function variants in RB1 are known to be pathogenic (PMID: 17096365).

Literature cited by the submitters: PubMed 17096365.

NM_000321.3(RB1):c.2099dup (p.Leu700fs)

Gene: RB1 (RB transcriptional corepressor 1; plus strand). Cytogenetic location: 13q14.2.
Variant type: Duplication.
Coding change: c.2099dup on transcript NM_000321.3 (MANE Select); coding-DNA position 2099, one base duplicated (T; older notation c.2099dupT).
Protein change: p.Leu700fs; shifts the reading frame from leucine 700.
Molecular consequence: frameshift variant.
Genome position (GRCh38, 1-based): chr13:48,459,826, T duplicated; the last of 3 consecutive T bases (chr13:48,459,824-48,459,826); duplicating any one gives the same sequence. VCF-style (leftmost placement, unchanged base first): chr13-48459823-A-AT. GRCh37 (hg19) VCF-style: chr13-49033959-A-AT.
Other names: c.2099dup, p.Leu700Phefs (NM_001407165.1); short protein forms L700fs.
Identifiers: ClinVar variation 2031661 (VCV002031661.4), dbSNP rs2542368614, ClinGen allele CA2580087610.